The following is an entry in ClinVar:

ClinVar aggregate classification (germline): Likely benign (1 of 4 stars; one submission).

Conditions:
BTD-related disorder. Also called: BTD-related condition.

gnomAD v4.1: 62 of 1,608,444 alleles (0.0039%); highest among the groups gnomAD compares: East Asian, 0.13%; no homozygotes.

Submission:

PreventionGenetics, part of Exact Sciences
Classification: Likely benign for BTD-related condition. Last evaluated: 2025-09-23. Review status: criteria provided, single submitter. Criteria: ACMG Guidelines, 2015. Collection method: clinical testing. Allele origin: germline.
Comment: This variant is classified as likely benign based on ACMG/AMP sequence variant interpretation guidelines (Richards et al. 2015 PMID: 25741868, with internal and published modifications).

NM_001370658.1(BTD):c.399+54T>G

Gene: BTD (biotinidase; plus strand). Cytogenetic location: 3p25.1.
Variant type: single nucleotide variant.
Coding change: c.399+54T>G on transcript NM_001370658.1 (MANE Select); 54 bases into the intron after coding-DNA position 399, T replaced by G.
Molecular consequence: intron variant. On other transcripts: missense variant (13).
Genome position (GRCh38, 1-based): chr3:15,642,111, T>G. VCF-style: chr3-15642111-T-G. GRCh37 (hg19) VCF-style: chr3-15683618-T-G.
Other names: c.453T>G, p.Ser151Arg (NM_001281726.3, NM_001407382.1, NM_001407383.1 and 9 more transcripts); c.516T>G, p.Ser172Arg (NM_001407381.1); c.399+54T>G (NM_001407365.1, NM_001370752.1, NM_001407379.1 and 24 more transcripts); short protein forms S151R, S172R.
Identifiers: ClinVar variation 4977798 (VCV004977798.1).
Genomic context (GRCh38, chr3:15,642,111, plus strand): 5'-CACAGAGGTGATTCCTGCCTTTTTCCTCAGTAGGCTGAGGGTACACAGAGGTGATCTAAG[T>G]CAGGGACCAGAAGCTGTGACATGTTAACTAAGATTGATAGGAGACCTTAACATCCCCAAA-3'